The following is an entry in ClinVar:

NM_001142800.2(EYS):c.326C>T (p.Thr109Ile)

Gene: EYS (eyes shut homolog; minus strand). Cytogenetic location: 6q12.
Variant type: single nucleotide variant.
Coding change: c.326C>T on transcript NM_001142800.2 (MANE Select); coding-DNA position 326, C replaced by T.
Protein change: p.Thr109Ile; replaces threonine 109 with isoleucine.
Molecular consequence: missense variant.
Genome position (GRCh38, 1-based): chr6:65,495,085, G>A on the plus strand (C>T on the coding strand, the complement: EYS is on the minus strand). VCF-style: chr6-65495085-G-A. GRCh37 (hg19) VCF-style: chr6-66204978-G-A.
Other names: c.326C>T, p.Thr109Ile (NM_001142801.2, NM_001292009.2, NM_198283.2); short protein forms T109I.
Identifiers: ClinVar variation 1943575 (VCV001943575.2), dbSNP rs374112886, ClinGen allele CA3878098.

ClinVar aggregate classification (germline): Uncertain significance (1 of 4 stars; one submission).

Allele frequency attached by ClinVar (database versions not stated): gnomAD exomes 0.00001; TOPMed 0.00001; ExAC 0.00002; gnomAD 0.00002; ESP Exome Variant Server 0.00008.
gnomAD v4.1: 16 of 1,614,048 alleles (0.00099%); highest among the groups gnomAD compares: Non-Finnish European, 0.0013%; no homozygotes.

Submission:

Labcorp Genetics (formerly Invitae), Labcorp
Classification: Uncertain significance. Last evaluated: 2022-02-17. Review status: criteria provided, single submitter. Criteria: Invitae Variant Classification Sherloc (09022015). Collection method: clinical testing. Allele origin: germline.
Comment: This sequence change replaces threonine, which is neutral and polar, with isoleucine, which is neutral and non-polar, at codon 109 of the EYS protein (p.Thr109Ile). This variant is present in population databases (rs374112886, gnomAD 0.002%). This variant has not been reported in the literature in individuals affected with EYS-related conditions. Algorithms developed to predict the effect of missense changes on protein structure and function (SIFT, PolyPhen-2, Align-GVGD) all suggest that this variant is likely to be tolerated. In summary, the available evidence is currently insufficient to determine the role of this variant in disease. Therefore, it has been classified as a Variant of Uncertain Significance.